The following is an entry in ClinVar:

ClinVar aggregate classification (germline): Uncertain significance. Review status: criteria provided, multiple submitters, no conflicts (2 of 4 stars). 2 submissions from 2 submitters: Uncertain significance (2). Last evaluated 2025-08-29.

Conditions:
SCN11A-related disorder. Also called: SCN11A-related condition.
Familial episodic pain syndrome with predominantly lower limb involvement. Also called: Episodic pain syndrome, familial, 3. Identifiers: Orphanet 391384, Orphanet 391392, MedGen C3809899, MONDO:0014247, OMIM 615552.
Hereditary sensory and autonomic neuropathy type 7. Also called: HSAN VII; Neuropathy, hereditary sensory and autonomic, type VII. Identifiers: Orphanet 391397, MedGen C3809882, MONDO:0014244, OMIM 615548.

Allele frequency attached by ClinVar (database versions not stated): ExAC 0.00001; gnomAD 0.00001; gnomAD exomes 0.00001; TOPMed 0.00001.
gnomAD v4.1: 20 of 1,614,034 alleles (0.0012%); highest among the groups gnomAD compares: Admixed American, 0.0017%; no homozygotes.

Submissions (2):

PreventionGenetics, part of Exact Sciences
Classification: Uncertain significance for SCN11A-related condition. Last evaluated: 2025-08-29. Review status: criteria provided, single submitter. Criteria: ACMG Guidelines, 2015. Collection method: clinical testing. Allele origin: germline.
Comment: The SCN11A c.1249A>G variant is predicted to result in the amino acid substitution p.Lys417Glu. To our knowledge, this variant has not been reported in the literature. This variant is reported in 0.0058% of alleles in individuals of Latino descent in gnomAD. At this time, the clinical significance of this variant is uncertain due to the absence of conclusive functional and genetic evidence.

Labcorp Genetics (formerly Invitae), Labcorp
Classification: Uncertain significance for Familial episodic pain syndrome with predominantly lower limb involvement; Hereditary sensory and autonomic neuropathy type 7. Last evaluated: 2024-12-12. Review status: criteria provided, single submitter. Criteria: Invitae Variant Classification Sherloc (09022015). Collection method: clinical testing. Allele origin: germline.
Comment: This sequence change replaces lysine, which is basic and polar, with glutamic acid, which is acidic and polar, at codon 417 of the SCN11A protein (p.Lys417Glu). This variant is present in population databases (rs751104165, gnomAD 0.006%). This variant has not been reported in the literature in individuals affected with SCN11A-related conditions. ClinVar contains an entry for this variant (Variation ID: 954663). Invitae Evidence Modeling of protein sequence and biophysical properties (such as structural, functional, and spatial information, amino acid conservation, physicochemical variation, residue mobility, and thermodynamic stability) indicates that this missense variant is not expected to disrupt SCN11A protein function with a negative predictive value of 80%. In summary, the available evidence is currently insufficient to determine the role of this variant in disease. Therefore, it has been classified as a Variant of Uncertain Significance.

NM_001349253.2(SCN11A):c.1249A>G (p.Lys417Glu)

Gene: SCN11A (sodium voltage-gated channel alpha subunit 11; minus strand). Cytogenetic location: 3p22.2.
Variant type: single nucleotide variant.
Coding change: c.1249A>G on transcript NM_001349253.2 (MANE Select); coding-DNA position 1249, A replaced by G.
Protein change: p.Lys417Glu; replaces lysine 417 with glutamic acid.
Molecular consequence: missense variant.
Genome position (GRCh38, 1-based): chr3:38,909,047, T>C on the plus strand (A>G on the coding strand, the complement: SCN11A is on the minus strand). VCF-style: chr3-38909047-T-C. GRCh37 (hg19) VCF-style: chr3-38950538-T-C.
Other names: c.1249A>G, p.Lys417Glu (NM_014139.3); short protein forms K417E.
Identifiers: ClinVar variation 954663 (VCV000954663.7), dbSNP rs751104165, ClinGen allele CA2322370.